The following is an entry in ClinVar:

NM_004281.4(BAG3):c.1018C>T (p.Gln340Ter)

Gene: BAG3 (BAG cochaperone 3; plus strand). Cytogenetic location: 10q26.11.
Variant type: single nucleotide variant.
Coding change: c.1018C>T on transcript NM_004281.4 (MANE Select); coding-DNA position 1018, C replaced by T.
Protein change: p.Gln340Ter; replaces glutamine 340 with a stop codon.
Molecular consequence: nonsense.
Genome position (GRCh38, 1-based): chr10:119,676,572, C>T. VCF-style: chr10-119676572-C-T. GRCh37 (hg19) VCF-style: chr10-121436084-C-T.
Other names: short protein forms Q340*.
Identifiers: ClinVar variation 4783706 (VCV004783706.1), dbSNP rs2134068763.

ClinVar aggregate classification (germline): Pathogenic (1 of 4 stars; one submission).

Conditions:
Dilated cardiomyopathy 1HH (CMD1HH). Identifiers: Orphanet 154, MedGen C3151293, MONDO:0013479, OMIM 613881.
Myofibrillar myopathy 6. Identifiers: Orphanet 199340, MedGen C2751831, MONDO:0013061, OMIM 612954.

Submission:

Labcorp Genetics (formerly Invitae), Labcorp
Classification: Pathogenic for Dilated cardiomyopathy 1HH; Myofibrillar myopathy 6. Last evaluated: 2025-09-22. Review status: criteria provided, single submitter. Criteria: Invitae Variant Classification Sherloc (09022015). Collection method: clinical testing. Allele origin: germline.
Comment: This sequence change creates a premature translational stop signal (p.Gln340*) in the BAG3 gene. While this is not anticipated to result in nonsense mediated decay, it is expected to disrupt the last 236 amino acid(s) of the BAG3 protein. This variant is not present in population databases (gnomAD no frequency). This premature translational stop signal has been observed in individual(s) with BAG3-related conditions (PMID: 24558114). This variant disrupts a region of the BAG3 protein in which other variant(s) (p.Arg473* ) have been determined to be pathogenic (PMID: 28436997; internal data). This suggests that this is a clinically significant region of the protein, and that variants that disrupt it are likely to be disease-causing. For these reasons, this variant has been classified as Pathogenic.

Literature cited by the submitters: PubMed 24558114; PubMed 28436997.